The following is an entry in ClinVar:

NM_152383.5(DIS3L2):c.777C>A (p.Ser259Arg)

Gene: DIS3L2 (DIS3 like 3'-5' exoribonuclease 2; plus strand). Cytogenetic location: 2q37.1.
Variant type: single nucleotide variant.
Coding change: c.777C>A on transcript NM_152383.5 (MANE Select); coding-DNA position 777, C replaced by A.
Protein change: p.Ser259Arg; replaces serine 259 with arginine.
Molecular consequence: missense variant. On other transcripts: non-coding transcript variant (1).
Genome position (GRCh38, 1-based): chr2:232,136,546, C>A. VCF-style: chr2-232136546-C-A. GRCh37 (hg19) VCF-style: chr2-233001256-C-A.
Other names: c.777C>A, p.Ser259Arg (NM_001257281.2); short protein forms S259R.
Identifiers: ClinVar variation 575819 (VCV000575819.9), dbSNP rs375649949, ClinGen allele CA351153568.

ClinVar aggregate classification (germline): Uncertain significance. Review status: criteria provided, multiple submitters, no conflicts (2 of 4 stars). 3 submissions from 3 submitters: Uncertain significance (3). Last evaluated 2026-02-11.

Conditions:
Perlman syndrome (PRLMNS). Identifiers: Orphanet 2849, MedGen C0796113, MONDO:0009965, OMIM 267000.
Inborn genetic diseases. Identifiers: MedGen C0950123, MeSH D030342.

gnomAD v4.1: 12 of 1,614,034 alleles (0.00074%); highest among the groups gnomAD compares: Admixed American, 0.018%; no homozygotes.

Submissions (3):

St. Jude Molecular Pathology, St. Jude Children's Research Hospital
Classification: Uncertain significance for Perlman syndrome. Last evaluated: 2026-02-11. Review status: criteria provided, single submitter. Criteria: St. Jude Assertion Criteria 2020. Collection method: clinical testing. Allele origin: germline.
Comment: The DIS3L2 c.777C>A p.(Ser259Arg) missense change is absent in gnomAD v2.1.1. The in silico tool REVEL predicts a benign effect on protein function, but to our knowledge this prediction has not been confirmed by functional studies. To our knowledge, this variant has not been reported in individuals with DIS3L2-associated conditions. In summary, the evidence currently available is insufficient to determine the clinical significance of this variant. It has therefore been classified as of uncertain significance.

Ambry Genetics
Classification: Uncertain significance for Inborn genetic diseases. Last evaluated: 2024-07-10. Review status: criteria provided, single submitter. Criteria: Ambry Variant Classification Scheme 2023. Collection method: clinical testing. Allele origin: germline.

Labcorp Genetics (formerly Invitae), Labcorp
Classification: Uncertain significance for Perlman syndrome. Last evaluated: 2023-11-30. Review status: criteria provided, single submitter. Criteria: Invitae Variant Classification Sherloc (09022015). Collection method: clinical testing. Allele origin: germline.
Comment: This sequence change replaces serine, which is neutral and polar, with arginine, which is basic and polar, at codon 259 of the DIS3L2 protein (p.Ser259Arg). This variant is not present in population databases (gnomAD no frequency). This variant has not been reported in the literature in individuals affected with DIS3L2-related conditions. ClinVar contains an entry for this variant (Variation ID: 575819). An algorithm developed to predict the effect of missense changes on protein structure and function (PolyPhen-2) suggests that this variant¬†is likely to be tolerated. In summary, the available evidence is currently insufficient to determine the role of this variant in disease. Therefore, it has been classified as a Variant of Uncertain Significance.